The following is an entry in ClinVar:

NM_001397.3(ECE1):c.1163+9A>C

Gene: ECE1 (endothelin converting enzyme 1; minus strand). Cytogenetic location: 1p36.12.
Variant type: single nucleotide variant.
Coding change: c.1163+9A>C on transcript NM_001397.3 (MANE Select); 9 bases into the intron after coding-DNA position 1163, A replaced by C.
Molecular consequence: intron variant.
Genome position (GRCh38, 1-based): chr1:21,247,212, T>G on the plus strand (A>C on the coding strand, the complement: ECE1 is on the minus strand). VCF-style: chr1-21247212-T-G. GRCh37 (hg19) VCF-style: chr1-21573705-T-G.
Other names: c.1115+9A>C (NM_001113348.2); c.1154+9A>C (NM_001113349.2); c.1127+9A>C (NM_001113347.2).
Identifiers: ClinVar variation 717606 (VCV000717606.5), dbSNP rs41319152, ClinGen allele CA665251.
Genomic context (GRCh38, chr1:21,247,212, plus strand): 5'-CCTGCCCACCTGCCCAAGAAGAGGGCTGTCTGTGAGAGGCGTGCCCCAGGCCACTGGGGG[T>G]CCTCTTACCATCTGTCGGTGGTGTTGATGAGAGTGGAGATCTGCTCAAGGTATTCCTTGT-3'

ClinVar aggregate classification (germline): Likely benign. Review status: criteria provided, multiple submitters, no conflicts (2 of 4 stars). 2 submissions from 2 submitters: Likely benign (2). Last evaluated 2026-06-27.

Conditions:
ECE1-related disorder. Also called: ECE1-related condition.

Allele frequency attached by ClinVar (database versions not stated): 1000 Genomes Project 0.00080; ExAC 0.00093; 1000 Genomes Project 30x 0.00094; gnomAD exomes 0.00095 and 0.00122; TOPMed 0.00125; gnomAD 0.00130 and 0.00132; ESP Exome Variant Server 0.00169.
gnomAD v4.1: 1,957 of 1,613,762 alleles (0.12%); highest among the groups gnomAD compares: Admixed American, 0.19%; no homozygotes.

Submissions (2):

PreventionGenetics, part of Exact Sciences
Classification: Likely benign for ECE1-related condition. Last evaluated: 2026-06-27. Review status: criteria provided, single submitter. Criteria: ACMG Guidelines, 2015. Collection method: clinical testing. Allele origin: germline.
Comment: This variant is classified as likely benign based on ACMG/AMP sequence variant interpretation guidelines (Richards et al. 2015 PMID: 25741868, with internal and published modifications).

Labcorp Genetics (formerly Invitae), Labcorp
Classification: Likely benign. Last evaluated: 2019-12-31. Review status: criteria provided, single submitter. Criteria: Invitae Variant Classification Sherloc (09022015). Collection method: clinical testing. Allele origin: germline.